The following is an entry in ClinVar:

ClinVar aggregate classification (germline): Uncertain significance (0 of 4 stars; one submission).

Conditions:
PLXNA4-related disorder. Also called: PLXNA4-related condition.

gnomAD v4.1: 1 of 1,612,668 alleles (0.000062%); highest among the groups gnomAD compares: Admixed American, 0.0017%; no homozygotes.

Submission:

PreventionGenetics, part of Exact Sciences
Classification: Uncertain significance for PLXNA4-related condition. Last evaluated: 2024-05-02. Review status: no assertion criteria provided. Collection method: clinical testing. Allele origin: germline.
Comment: The PLXNA4 c.1526C>T variant is predicted to result in the amino acid substitution p.Ser509Phe. To our knowledge, this variant has not been reported in the literature or in a large population database, indicating this variant is rare. At this time, the clinical significance of this variant is uncertain due to the absence of conclusive functional and genetic evidence.

NM_020911.2(PLXNA4):c.1526C>T (p.Ser509Phe)

Gene: PLXNA4 (plexin A4; minus strand). Cytogenetic location: 7q32.3.
Variant type: single nucleotide variant.
Coding change: c.1526C>T on transcript NM_020911.2 (MANE Select); coding-DNA position 1526, C replaced by T.
Protein change: p.Ser509Phe; replaces serine 509 with phenylalanine.
Molecular consequence: missense variant.
Genome position (GRCh38, 1-based): chr7:132,241,144, G>A on the plus strand (C>T on the coding strand, the complement: PLXNA4 is on the minus strand). VCF-style: chr7-132241144-G-A. GRCh37 (hg19) VCF-style: chr7-131925903-G-A.
Other names: c.1526C>T, p.Ser509Phe (NM_001393897.1); short protein forms S509F.
Identifiers: ClinVar variation 3346540 (VCV003346540.1).